The following is an entry in ClinVar:

ClinVar aggregate classification (germline): Uncertain significance. Review status: criteria provided, multiple submitters, no conflicts (2 of 4 stars). 2 submissions from 2 submitters: Uncertain significance (2). Last evaluated 2026-04-28.

Allele frequency attached by ClinVar (database versions not stated): TOPMed 0.00004; gnomAD exomes 0.00007; gnomAD 0.00009.
gnomAD v4.1: 51 of 671,292 alleles (0.0076%); highest among the groups gnomAD compares: Non-Finnish European, 0.011%; 1 homozygote.

Submissions (2):

Women's Health and Genetics/Laboratory Corporation of America, LabCorp
Classification: Uncertain significance. Last evaluated: 2026-04-28. Review status: criteria provided, single submitter. Criteria: LabCorp Variant Classification Summary - May 2015. Collection method: clinical testing. Allele origin: germline.
Comment: Variant summary: GP6 c.1844T>C (p.Met615Thr) results in a non-conservative amino acid change in the encoded protein sequence. Algorithms developed to predict the effect of missense changes on protein structure and function are either unavailable or do not agree on the potential impact of this missense change. The variant allele was found at a frequency of 7.7e-06 in 129418 control chromosomes. The available data on variant occurrences in the general population are insufficient to allow any conclusion about variant significance. To our knowledge, no occurrence of c.1844T>C in individuals affected with GP6-related conditions and no experimental evidence demonstrating its impact on protein function have been reported. ClinVar contains an entry for this variant (Variation ID: 2188039). Based on the evidence outlined above, the variant was classified as uncertain significance.

Labcorp Genetics (formerly Invitae), Labcorp
Classification: Uncertain significance. Last evaluated: 2022-06-26. Review status: criteria provided, single submitter. Criteria: Invitae Variant Classification Sherloc (09022015). Collection method: clinical testing. Allele origin: germline.
Comment: This sequence change replaces methionine, which is neutral and non-polar, with threonine, which is neutral and polar, at codon 615 of the GP6 protein (p.Met615Thr). The frequency data for this variant in the population databases is considered unreliable, as metrics indicate poor data quality at this position in the gnomAD database. This variant has not been reported in the literature in individuals affected with GP6-related conditions. Algorithms developed to predict the effect of missense changes on protein structure and function are either unavailable or do not agree on the potential impact of this missense change (SIFT: "Deleterious"; PolyPhen-2: "Benign"; Align-GVGD: "Class C0"). In summary, the available evidence is currently insufficient to determine the role of this variant in disease. Therefore, it has been classified as a Variant of Uncertain Significance.

NM_016363.5(GP6):c.*820T>C

Gene: GP6 (glycoprotein VI platelet; minus strand). Cytogenetic location: 19q13.42.
Variant type: single nucleotide variant.
Coding change: c.*820T>C on transcript NM_016363.5 (MANE Select); 820 bases downstream of the stop codon, T replaced by C.
Molecular consequence: 3 prime UTR variant. On other transcripts: missense variant (1).
Genome position (GRCh38, 1-based): chr19:55,014,101, A>G on the plus strand (T>C on the coding strand, the complement: GP6 is on the minus strand). VCF-style: chr19-55014101-A-G. GRCh37 (hg19) VCF-style: chr19-55525469-A-G.
Other names: c.1844T>C, p.Met615Thr (NM_001083899.2); c.*820T>C (NM_001256017.2); short protein forms M615T.
Identifiers: ClinVar variation 2188039 (VCV002188039.2), dbSNP rs1029492268, ClinGen allele CA310120968.
Genomic context (GRCh38, chr19:55,014,101, plus strand): 5'-TGGACAGCAATATTGCAGTACATGTATACAACGTGCTATGATCAAATCAGGGTAATTGAC[A>G]TATTCATCCCTGTATTTTTTGAGACAAAGTCAGGCTTCGTCACCCGAGCTAGAGTGCAGT-3'